The following is an entry in ClinVar:

NM_016580.4(PCDH12):c.3467C>G (p.Ser1156Ter)

Gene: PCDH12 (protocadherin 12; minus strand). Cytogenetic location: 5q31.3.
Variant type: single nucleotide variant.
Coding change: c.3467C>G on transcript NM_016580.4 (MANE Select); coding-DNA position 3467, C replaced by G.
Protein change: p.Ser1156Ter; replaces serine 1156 with a stop codon.
Molecular consequence: nonsense.
Genome position (GRCh38, 1-based): chr5:141,945,469, G>C on the plus strand (C>G on the coding strand, the complement: PCDH12 is on the minus strand). VCF-style: chr5-141945469-G-C. GRCh37 (hg19) VCF-style: chr5-141325034-G-C.
Other names: short protein forms S1156*.
Identifiers: ClinVar variation 1484507 (VCV001484507.6), dbSNP rs1489953006, ClinGen allele CA361563148.

ClinVar aggregate classification (germline): Uncertain significance (1 of 4 stars; one submission).

Allele frequency attached by ClinVar (database versions not stated): gnomAD exomes below 0.00001.

Submission:

Labcorp Genetics (formerly Invitae), Labcorp
Classification: Uncertain significance. Last evaluated: 2021-01-18. Review status: criteria provided, single submitter. Criteria: Invitae Variant Classification Sherloc (09022015). Collection method: clinical testing. Allele origin: germline.
Comment: This sequence change creates a premature translational stop signal (p.Ser1156*) in the PCDH12 gene. While this is not anticipated to result in nonsense mediated decay, it is expected to disrupt the last 29 amino acid(s) of the PCDH12 protein. This variant is not present in population databases (ExAC no frequency). This variant has not been reported in the literature in individuals with PCDH12-related conditions. Experimental studies and prediction algorithms are not available or were not evaluated, and the functional significance of this variant is currently unknown. In summary, the available evidence is currently insufficient to determine the role of this variant in disease. Therefore, it has been classified as a Variant of Uncertain Significance.